The following is an entry in ClinVar:

NM_006946.4(SPTBN2):c.5527T>G (p.Cys1843Gly)

Gene: SPTBN2 (spectrin beta, non-erythrocytic 2; minus strand). Cytogenetic location: 11q13.2.
Variant type: single nucleotide variant.
Coding change: c.5527T>G on transcript NM_006946.4 (MANE Select); coding-DNA position 5527, T replaced by G.
Protein change: p.Cys1843Gly; replaces cysteine 1843 with glycine.
Molecular consequence: missense variant.
Genome position (GRCh38, 1-based): chr11:66,691,322, A>C on the plus strand (T>G on the coding strand, the complement: SPTBN2 is on the minus strand). VCF-style: chr11-66691322-A-C. GRCh37 (hg19) VCF-style: chr11-66458793-A-C.
Other names: c.5548T>G, p.Cys1850Gly (NM_001411025.1); short protein forms C1843G, C1850G.
Identifiers: ClinVar variation 3448993 (VCV003448993.2).

ClinVar aggregate classification (germline): Uncertain significance. Review status: criteria provided, multiple submitters, no conflicts (2 of 4 stars). 2 submissions from 2 submitters: Uncertain significance (2). Last evaluated 2024-09-03.

Conditions:
Inborn genetic diseases. Identifiers: MedGen C0950123, MeSH D030342.

Submissions (2):

Ambry Genetics
Classification: Uncertain significance for Inborn genetic diseases. Last evaluated: 2024-09-03. Review status: criteria provided, single submitter. Criteria: Ambry Variant Classification Scheme 2023. Collection method: clinical testing. Allele origin: germline.

Athena Diagnostics
Classification: Uncertain significance. Last evaluated: 2024-04-17. Review status: criteria provided, single submitter. Criteria: Athena Diagnostics Criteria. Collection method: clinical testing. Allele origin: unknown.
Comment: Available data are insufficient to determine the clinical significance of the variant at this time. The frequency of this variant in the general population is uninformative in assessment of its pathogenicity. Computational tools predict that this variant is not damaging.